The following is an entry in ClinVar:

ClinVar aggregate classification (germline): Conflicting classifications of pathogenicity. Review status: criteria provided, conflicting classifications (1 of 4 stars). 2 submissions from 2 submitters: Likely pathogenic (1); Uncertain significance (1). Last evaluated 2023-07-03.

Conditions:
Hereditary spastic paraplegia 8 (SPG8). Also called: SPASTIC PARAPLEGIA 8, AUTOSOMAL DOMINANT. Identifiers: Orphanet 100989, MedGen C1863704, MONDO:0011339, OMIM 603563.
Ritscher-Schinzel syndrome. Also called: CRANIOCEREBELLOCARDIAC DYSPLASIA. Identifiers: Orphanet 7, MedGen C0796137, MONDO:0019078.

Allele frequency attached by ClinVar (database versions not stated): gnomAD exomes 0.00001.
gnomAD v4.1: 12 of 1,613,976 alleles (0.00074%); highest among the groups gnomAD compares: Non-Finnish European, 0.00093%; no homozygotes.

Submissions (2):

Labcorp Genetics (formerly Invitae), Labcorp
Classification: Likely pathogenic for Ritscher-Schinzel syndrome; Hereditary spastic paraplegia 8. Last evaluated: 2023-07-03. Review status: criteria provided, single submitter. Criteria: Invitae Variant Classification Sherloc (09022015). Collection method: clinical testing. Allele origin: germline.
Comment: This sequence change replaces arginine, which is basic and polar, with histidine, which is basic and polar, at codon 247 of the WASHC5 protein (p.Arg247His). In summary, the currently available evidence indicates that the variant is pathogenic, but additional data are needed to prove that conclusively. Therefore, this variant has been classified as Likely Pathogenic. Advanced modeling of protein sequence and biophysical properties (such as structural, functional, and spatial information, amino acid conservation, physicochemical variation, residue mobility, and thermodynamic stability) has been performed at Invitae for this missense variant, however the output from this modeling did not meet the statistical confidence thresholds required to predict the impact of this variant on WASHC5 protein function. ClinVar contains an entry for this variant (Variation ID: 2057136). This missense change has been observed in individual(s) with clinical features of spastic paraplegia (Invitae). In at least one individual the variant was observed to be de novo. This variant is not present in population databases (gnomAD no frequency).

Revvity Omics, Revvity
Classification: Uncertain significance. Last evaluated: 2021-12-16. Review status: criteria provided, single submitter. Criteria: ACMG Guidelines, 2015. Collection method: clinical testing. Allele origin: germline.

NM_014846.4(WASHC5):c.740G>A (p.Arg247His)

Gene: WASHC5 (WASH complex subunit 5; minus strand). Cytogenetic location: 8q24.13.
Variant type: single nucleotide variant.
Coding change: c.740G>A on transcript NM_014846.4 (MANE Select); coding-DNA position 740, G replaced by A.
Protein change: p.Arg247His; replaces arginine 247 with histidine.
Molecular consequence: missense variant.
Genome position (GRCh38, 1-based): chr8:125,076,472, C>T on the plus strand (G>A on the coding strand, the complement: WASHC5 is on the minus strand). VCF-style: chr8-125076472-C-T. GRCh37 (hg19) VCF-style: chr8-126088714-C-T.
Other names: c.296G>A, p.Arg99His (NM_001330609.2); short protein forms R247H, R99H.
Identifiers: ClinVar variation 2057136 (VCV002057136.7), dbSNP rs976509563, ClinGen allele CA185322520.